The following is an entry in ClinVar:

ClinVar aggregate classification (germline): Pathogenic (1 of 4 stars; one submission).

Conditions:
Hereditary cancer-predisposing syndrome. Also called: Neoplastic Syndromes, Hereditary; Tumor predisposition; Hereditary neoplastic syndrome; Hereditary Cancer Syndrome. Identifiers: Orphanet 140162, MedGen C0027672, MeSH D009386, MONDO:0015356.

Submission:

Ambry Genetics
Classification: Pathogenic for Hereditary cancer-predisposing syndrome. Last evaluated: 2024-02-13. Review status: criteria provided, single submitter. Criteria: Ambry Variant Classification Scheme 2023. Collection method: clinical testing. Allele origin: germline.
Comment: The c.3610delA pathogenic mutation, located in coding exon 24 of the ATM gene, results from a deletion of one nucleotide at nucleotide position 3610, causing a translational frameshift with a predicted alternate stop codon (p.R1204Dfs*3). This alteration is expected to result in loss of function by premature protein truncation or nonsense-mediated mRNA decay. As such, this alteration is interpreted as a disease-causing mutation.

NM_000051.4(ATM):c.3610del (p.Arg1204fs)

Gene: ATM (ATM serine/threonine kinase; plus strand). Cytogenetic location: 11q22.3.
Variant type: Deletion.
Coding change: c.3610del on transcript NM_000051.4 (MANE Select); coding-DNA position 3610, one base deleted (A; older notation c.3610delA).
Protein change: p.Arg1204fs; shifts the reading frame from arginine 1204.
Molecular consequence: frameshift variant.
Genome position (GRCh38, 1-based): chr11:108,282,743, A deleted. VCF-style (leftmost placement, unchanged base first): chr11-108282742-TA-T. GRCh37 (hg19) VCF-style: chr11-108153469-TA-T.
Other names: c.3610del, p.Arg1204fs (NM_001351834.2); short protein forms R1204fs.
Identifiers: ClinVar variation 3233094 (VCV003233094.1), dbSNP rs2546879086, ClinGen allele CA2825001839.
Genomic context (GRCh38, chr11:108,282,742, plus strand): 5'-TAACACATTGACTTTTTGGTTCGTGCAGGTTTTAGAGAAAGTTTCTGAAACTTTTGGATA[TA>T]GACGTTTAGAAGACTTTATGGCATCTCATTTAGATTATCTGGTTTTGGAATGGCTAAATC-3'